The following is an entry in ClinVar:

NM_013275.6(ANKRD11):c.6524A>G (p.Asn2175Ser)

Gene: ANKRD11 (ankyrin repeat domain containing 11; minus strand). Cytogenetic location: 16q24.3.
Variant type: single nucleotide variant.
Coding change: c.6524A>G on transcript NM_013275.6 (MANE Select); coding-DNA position 6524, A replaced by G.
Protein change: p.Asn2175Ser; replaces asparagine 2175 with serine.
Molecular consequence: missense variant.
Genome position (GRCh38, 1-based): chr16:89,280,018, T>C on the plus strand (A>G on the coding strand, the complement: ANKRD11 is on the minus strand). VCF-style: chr16-89280018-T-C. GRCh37 (hg19) VCF-style: chr16-89346426-T-C.
Other names: c.6524A>G, p.Asn2175Ser (NM_001256182.2, NM_001256183.2); c.6524A>G (NM_013275.4); short protein forms N2175S.
Identifiers: ClinVar variation 2632984 (VCV002632984.2), dbSNP rs2544221896, ClinGen allele CA397150787.

ClinVar aggregate classification (germline): Conflicting classifications of pathogenicity. Review status: criteria provided, conflicting classifications (1 of 4 stars). 2 submissions from 2 submitters: Uncertain significance (1); Likely benign (1). Last evaluated 2024-11-22.

Conditions:
Inborn genetic diseases. Identifiers: MedGen C0950123, MeSH D030342.
ANKRD11-related disorder. Also called: ANKRD11-related condition.

Submissions (2):

Ambry Genetics
Classification: Likely benign for Inborn genetic diseases. Last evaluated: 2024-11-22. Review status: criteria provided, single submitter. Criteria: Ambry Variant Classification Scheme 2023. Collection method: clinical testing. Allele origin: germline.

PreventionGenetics, part of Exact Sciences
Classification: Uncertain significance for ANKRD11-related condition. Last evaluated: 2023-06-28. Review status: criteria provided, single submitter. Criteria: ACMG Guidelines, 2015. Collection method: clinical testing. Allele origin: germline.
Comment: The ANKRD11 c.6524A>G variant is predicted to result in the amino acid substitution p.Asn2175Ser. To our knowledge, this variant has not been reported in the literature or in a large population database, indicating this variant is rare. At this time, the clinical significance of this variant is uncertain due to the absence of conclusive functional and genetic evidence.